The following is an entry in ClinVar:

ClinVar aggregate classification (germline): Uncertain significance. Review status: criteria provided, multiple submitters, no conflicts (2 of 4 stars). 2 submissions from 2 submitters: Uncertain significance (2). Last evaluated 2025-09-23.

Conditions:
Hereditary cancer-predisposing syndrome. Also called: Hereditary neoplastic syndrome; Tumor predisposition; Neoplastic Syndromes, Hereditary; Hereditary Cancer Syndrome. Identifiers: Orphanet 140162, MedGen C0027672, MeSH D009386, MONDO:0015356.
Retinoblastoma (RB1). Also called: RETINOBLASTOMA, SOMATIC. Identifiers: Orphanet 790, MedGen C0035335, MeSH D012175, MONDO:0008380, OMIM 180200, HP:0009919. Disease mechanism: loss of function. Inheritance: Both sporadic and heritable forms are tested..

Submissions (2):

Ambry Genetics
Classification: Uncertain significance for Hereditary cancer-predisposing syndrome. Last evaluated: 2025-09-23. Review status: criteria provided, single submitter. Criteria: Ambry Variant Classification Scheme 2023. Collection method: clinical testing. Allele origin: germline.
Comment: The p.P177H variant (also known as c.530C>A), located in coding exon 5 of the RB1 gene, results from a C to A substitution at nucleotide position 530. The proline at codon 177 is replaced by histidine, an amino acid with similar properties. This amino acid position is highly conserved in available vertebrate species. In addition, this alteration is predicted to be tolerated by in silico analysis. Based on the available evidence, the clinical significance of this variant remains unclear.

Labcorp Genetics (formerly Invitae), Labcorp
Classification: Uncertain significance for Retinoblastoma. Last evaluated: 2019-10-01. Review status: criteria provided, single submitter. Criteria: Invitae Variant Classification Sherloc (09022015). Collection method: clinical testing. Allele origin: germline.
Comment: This sequence change replaces proline with histidine at codon 177 of the RB1 protein (p.Pro177His). The proline residue is highly conserved and there is a moderate physicochemical difference between proline and histidine. This variant is not present in population databases (ExAC no frequency). This variant has not been reported in the literature in individuals with RB1-related conditions. Algorithms developed to predict the effect of missense changes on protein structure and function are either unavailable or do not agree on the potential impact of this missense change (SIFT: "Deleterious"; PolyPhen-2: "Benign"; Align-GVGD: "Class C0"). In summary, the available evidence is currently insufficient to determine the role of this variant in disease. Therefore, it has been classified as a Variant of Uncertain Significance.

NM_000321.3(RB1):c.530C>A (p.Pro177His)

Gene: RB1 (RB transcriptional corepressor 1; plus strand). Cytogenetic location: 13q14.2.
Variant type: single nucleotide variant.
Coding change: c.530C>A on transcript NM_000321.3 (MANE Select); coding-DNA position 530, C replaced by A.
Protein change: p.Pro177His; replaces proline 177 with histidine.
Molecular consequence: missense variant.
Genome position (GRCh38, 1-based): chr13:48,347,854, C>A. VCF-style: chr13-48347854-C-A. GRCh37 (hg19) VCF-style: chr13-48921990-C-A.
Other names: short protein forms P177H.
Identifiers: ClinVar variation 956820 (VCV000956820.10), dbSNP rs1952511945, ClinGen allele CA388156842.
Genomic context (GRCh38, chr13:48,347,854, plus strand): 5'-TGTTAAAAAGTCATAATGTTTTTCTTTTCAGGACATGTGAACTTATATATTTGACACAAC[C>A]CAGCAGTTCGTAAGTAGTTCACAGAATGTTATTTTTCACTTAAAAAAAAAGATTTTTATG-3'
Protein context (NP_000312.2, residues 167-187): RTCELIYLTQ[Pro177His]SSSISTEINS